The following is an entry in ClinVar:

ClinVar aggregate classification (germline): Conflicting classifications of pathogenicity. Review status: criteria provided, conflicting classifications (1 of 4 stars). 5 submissions from 5 submitters: Uncertain significance (3); Likely benign (1). 1 of the submissions does not count toward it. Last evaluated 2024-05-30.

Conditions:
CREBBP-related disorder. Also called: CREBBP-related condition; CREBBP-related disorders.
Rubinstein-Taybi syndrome (RSTS). Identifiers: Orphanet 783, MedGen C0035934, MONDO:0019188.
Inborn genetic diseases. Identifiers: MedGen C0950123, MeSH D030342.
Menke-Hennekam syndrome 1 (MKHK1). Identifiers: MedGen C5193034, MONDO:0020763, OMIM 618332.
Rubinstein-Taybi syndrome due to CREBBP mutations (RSTS1). Also called: BROAD THUMB-HALLUX SYNDROME; RUBINSTEIN SYNDROME; RUBINSTEIN-TAYBI SYNDROME 1, INCOMPLETE; CREBBP-Related Rubinstein-Taybi Syndrome; BROAD THUMBS AND GREAT TOES, CHARACTERISTIC FACIES, AND IMPAIRED INTELLECTUAL DEVELOPMENT; Rubinstein-Taybi syndrome 1. Identifiers: Orphanet 353277, Orphanet 783, MedGen C4551859, MONDO:0008393, OMIM 180849.

Allele frequency attached by ClinVar (database versions not stated): gnomAD 0.00001; gnomAD exomes 0.00001.

Submissions (5):

Fulgent Genetics
Classification: Uncertain significance for Rubinstein-Taybi syndrome due to CREBBP mutations; Menke-Hennekam syndrome 1. Last evaluated: 2024-05-30. Review status: criteria provided, single submitter. Criteria: ACMG Guidelines, 2015. Collection method: clinical testing. Allele origin: germline.

Labcorp Genetics (formerly Invitae), Labcorp
Classification: Likely benign for Rubinstein-Taybi syndrome. Last evaluated: 2023-07-10. Review status: criteria provided, single submitter. Criteria: Invitae Variant Classification Sherloc (09022015). Collection method: clinical testing. Allele origin: germline.

GeneDx
Classification: Uncertain significance. Last evaluated: 2021-05-28. Review status: criteria provided, single submitter. Criteria: GeneDx Variant Classification Process June 2021. Collection method: clinical testing. Allele origin: germline. Affected: yes.
Comment: In silico analysis supports that this missense variant has a deleterious effect on protein structure/function; Has not been previously published as pathogenic or benign to our knowledge

Ambry Genetics
Classification: Uncertain significance for Inborn genetic diseases. Last evaluated: 2018-08-16. Review status: criteria provided, single submitter. Criteria: Ambry Variant Classification Scheme 2023. Collection method: clinical testing. Allele origin: germline.
Comment: The p.P1946A variant (also known as c.5836C>G), located in coding exon 31 of the CREBBP gene, results from a C to G substitution at nucleotide position 5836. The proline at codon 1946 is replaced by alanine, an amino acid with highly similar properties. This amino acid position is not well conserved in available vertebrate species. In addition, this alteration is predicted to be tolerated by in silico analysis. Since supporting evidence is limited at this time, the clinical significance of this alteration remains unclea.

PreventionGenetics, part of Exact Sciences
Classification: Uncertain significance for CREBBP-related condition. Last evaluated: 2024-06-21. Review status: no assertion criteria provided. Collection method: clinical testing. Allele origin: germline. Not counted in ClinVar's aggregate classification.
Comment: The CREBBP c.5836C>G variant is predicted to result in the amino acid substitution p.Pro1946Ala. To our knowledge, this variant has not been reported in the literature. An alternate substitution of this amino acid (p.Pro1946Arg) has been reported as de novo in an individual with microcephaly and neurodevelopmental delay (Table S1 in Sukenik-Halevy et al 2022. PubMed ID: 35032046). This c.5836C>G (p.Pro1946Ala) variant is reported in 0.0041% of alleles in individuals of Latino descent in gnomAD. At this time, the clinical significance of this variant is uncertain due to the absence of conclusive functional and genetic evidence.

NM_004380.3(CREBBP):c.5836C>G (p.Pro1946Ala)

Gene: CREBBP (CREB binding lysine acetyltransferase; minus strand). Cytogenetic location: 16p13.3.
Variant type: single nucleotide variant.
Coding change: c.5836C>G on transcript NM_004380.3 (MANE Select); coding-DNA position 5836, C replaced by G.
Protein change: p.Pro1946Ala; replaces proline 1946 with alanine.
Molecular consequence: missense variant.
Genome position (GRCh38, 1-based): chr16:3,729,211, G>C on the plus strand (C>G on the coding strand, the complement: CREBBP is on the minus strand). VCF-style: chr16-3729211-G-C. GRCh37 (hg19) VCF-style: chr16-3779212-G-C.
Other names: c.5722C>G, p.Pro1908Ala (NM_001079846.1); short protein forms P1908A, P1946A.
Identifiers: ClinVar variation 1209412 (VCV001209412.13), dbSNP rs1321085895, ClinGen allele CA394555303.